The following is an entry in ClinVar:

ClinVar aggregate classification (germline): Uncertain significance. Review status: criteria provided, multiple submitters, no conflicts (2 of 4 stars). 3 submissions from 3 submitters: Uncertain significance (3). Last evaluated 2025-11-01.

Allele frequency attached by ClinVar (database versions not stated): gnomAD 0.00001.
gnomAD v4.1: 10 of 1,518,524 alleles (0.00066%); highest among the groups gnomAD compares: African/African-American, 0.0028%; no homozygotes.

Submissions (3):

CeGaT Center for Human Genetics Tuebingen
Classification: Uncertain significance. Last evaluated: 2025-11-01. Review status: criteria provided, single submitter. Criteria: CeGaT Center For Human Genetics Tuebingen Variant Classification Criteria Version 2. Collection method: clinical testing. Allele origin: germline. Affected: yes. Observed: 1 variant allele.
Comment: COL18A1: PM2, BP4

Blueprint Genetics
Classification: Uncertain significance. Last evaluated: 2022-12-13. Review status: criteria provided, single submitter. Criteria: ACMG Guidelines, 2015. Collection method: clinical testing. Allele origin: germline.

Labcorp Genetics (formerly Invitae), Labcorp
Classification: Uncertain significance. Last evaluated: 2022-07-31. Review status: criteria provided, single submitter. Criteria: Invitae Variant Classification Sherloc (09022015). Collection method: clinical testing. Allele origin: germline.
Comment: This sequence change replaces arginine, which is basic and polar, with cysteine, which is neutral and slightly polar, at codon 1157 of the COL18A1 protein (p.Arg1157Cys). The frequency data for this variant in the population databases is considered unreliable, as metrics indicate poor data quality at this position in the gnomAD database. This variant has not been reported in the literature in individuals affected with COL18A1-related conditions. ClinVar contains an entry for this variant (Variation ID: 1502911). Experimental studies and prediction algorithms are not available or were not evaluated, and the functional significance of this variant is currently unknown. In summary, the available evidence is currently insufficient to determine the role of this variant in disease. Therefore, it has been classified as a Variant of Uncertain Significance.

NM_001379500.1(COL18A1):c.3478C>T (p.Arg1160Cys)

Genes: SLC19A1 (solute carrier family 19 member 1; minus strand), COL18A1 (collagen type XVIII alpha 1 chain; plus strand). Cytogenetic location: 21q22.3.
Variant type: single nucleotide variant.
Coding change: c.3478C>T on transcript NM_001379500.1 (MANE Select); coding-DNA position 3478, C replaced by T.
Protein change: p.Arg1160Cys; replaces arginine 1160 with cysteine.
Molecular consequence: missense variant.
Genome position (GRCh38, 1-based): chr21:45,509,584, C>T. VCF-style: chr21-45509584-C-T. GRCh37 (hg19) VCF-style: chr21-46929498-C-T.
Other names: c.4009C>T, p.Arg1337Cys (NM_030582.4); c.4714C>T, p.Arg1572Cys (NM_130444.3); short protein forms R1160C, R1572C, R1337C.
Identifiers: ClinVar variation 1502911 (VCV001502911.10), dbSNP rs1198296938, ClinGen allele CA410501235.